The following is an entry in ClinVar:

ClinVar aggregate classification (germline): Uncertain significance (1 of 4 stars; one submission).

Submission:

GeneDx
Classification: Uncertain significance. Last evaluated: 2025-09-23. Review status: criteria provided, single submitter. Criteria: GeneDx Variant Classification Process June 2021. Collection method: clinical testing. Allele origin: germline. Affected: yes.
Comment: Not observed at significant frequency in large population cohorts (gnomAD); In silico analysis supports that this missense variant has a deleterious effect on protein structure/function; Has not been previously published as pathogenic or benign to our knowledge; Does not affect a cysteine or calcium-binding residue within an EGF-like domain or a TGF-binding protein domain of the FBN1 gene; cysteine substitutions in the EGF-like domains represent the majority of pathogenic missense changes associated with FBN1-related disorders (PMID: 12938084); This variant is associated with the following publications: (PMID: 12938084)

NM_000138.5(FBN1):c.7616G>A (p.Gly2539Asp)

Gene: FBN1 (fibrillin 1; minus strand). Cytogenetic location: 15q21.1.
Variant type: single nucleotide variant.
Coding change: c.7616G>A on transcript NM_000138.5 (MANE Select); coding-DNA position 7616, G replaced by A.
Protein change: p.Gly2539Asp; replaces glycine 2539 with aspartic acid.
Molecular consequence: missense variant.
Genome position (GRCh38, 1-based): chr15:48,421,641, C>T on the plus strand (G>A on the coding strand, the complement: FBN1 is on the minus strand). VCF-style: chr15-48421641-C-T. GRCh37 (hg19) VCF-style: chr15-48713838-C-T.
Other names: short protein forms G2539D.
Identifiers: ClinVar variation 450946 (VCV000450946.4), dbSNP rs1555394203, ClinGen allele CA392325677.